The following is an entry in ClinVar:

ClinVar aggregate classification (germline): Likely pathogenic (1 of 4 stars; one submission).

Conditions:
Spondylocostal dysostosis 2, autosomal recessive (SCDO2). Also called: MESP2-Related Spondylocostal Dysostosis, Autosomal Recessive; Spondylocostal dysostosis type 2. Identifiers: Orphanet 2311, MedGen C1837549, MONDO:0012097, OMIM 608681.

Submission:

Natera, Inc.
Classification: Likely pathogenic for Spondylocostal dysostosis type 2. Last evaluated: 2024-08-06. Review status: criteria provided, single submitter. Criteria: Natera Variant Classification Schema (03/2026). Collection method: clinical testing. Allele origin: germline.
Comment: The c.561del variant in MESP2 is a frameshift variant predicted to elongate the protein beyond the termination codon. This variant is expected to result in nonsense mediated decay, truncation, or a dysfunctional protein product. This variant is rare in the general population with a frequency below the threshold expected for the associated phenotype(s). Given the available evidence, this variant is classified as Likely Pathogenic.

NM_001039958.2(MESP2):c.561del (p.Gln188fs)

Gene: MESP2 (mesoderm posterior bHLH transcription factor 2; plus strand). Cytogenetic location: 15q26.1.
Variant type: Deletion.
Coding change: c.561del on transcript NM_001039958.2 (MANE Select); coding-DNA position 561, one base deleted (G; older notation c.561delG).
Protein change: p.Gln188fs; shifts the reading frame from glutamine 188.
Molecular consequence: frameshift variant.
Genome position (GRCh38, 1-based): chr15:89,776,918, G deleted; the last of 4 consecutive G bases (chr15:89,776,915-89,776,918); deleting any one gives the same sequence. VCF-style (leftmost placement, unchanged base first): chr15-89776914-AG-A. GRCh37 (hg19) VCF-style: chr15-90320145-AG-A.
Other names: short protein forms Q188fs.
Identifiers: ClinVar variation 4814576 (VCV004814576.1).
Genomic context (GRCh38, chr15:89,776,914, plus strand): 5'-CCGACCGTGGCCCCGCAGAGGCGCAGACGCAGGCGGAGGGGCAGGGGCAAGGGCAGGGGC[AG>A]GGGCAGGGGCAAGGGCAGGGGCAAGGACAGGGGCAAGGACAGGGGCAAGGGCAGGGGCGC-3'